The following is an entry in ClinVar:

NM_020831.6(MRTFA):c.242-28866C>A

Gene: MRTFA (myocardin related transcription factor A; minus strand). Cytogenetic location: 22q13.1.
Variant type: single nucleotide variant.
Coding change: c.242-28866C>A on transcript NM_020831.6 (MANE Select); 28866 bases into the intron before coding-DNA position 242, C replaced by A.
Molecular consequence: intron variant.
Genome position (GRCh38, 1-based): chr22:40,492,152, G>T on the plus strand (C>A on the coding strand, the complement: MRTFA is on the minus strand). VCF-style: chr22-40492152-G-T. GRCh37 (hg19) VCF-style: chr22-40888156-G-T.
Other names: c.242-28866C>A (NM_001282661.3, NM_001282662.3); c.47-28866C>A (NM_001318139.2).
Identifiers: ClinVar variation 1879560 (VCV001879560.29), dbSNP rs77440687, ClinGen allele CA324475806.
Genomic context (GRCh38, chr22:40,492,152, plus strand): 5'-GATGAATCTTGGCCTTCTCCTCCAGCATGCTGGAGGAGATTCGAGTCTCCACAGGCCAAT[G>T]CTGCAATAAACCACTCTTCCTTCCCTCTCTCCTTAAAGAGGCCATTTATTATTTGCCGAA-3'

ClinVar aggregate classification (germline): Benign (1 of 4 stars; one submission).

Allele frequency attached by ClinVar (database versions not stated): 1000 Genomes Project 30x 0.00468; 1000 Genomes Project 0.00479; gnomAD 0.00501; TOPMed 0.00549.
gnomAD v4.1: 759 of 152,242 alleles (0.5%); highest among the groups gnomAD compares: Middle Eastern, 2.4%; 4 homozygotes.

Submission:

CeGaT Center for Human Genetics Tuebingen
Classification: Benign. Last evaluated: 2022-10-01. Review status: criteria provided, single submitter. Criteria: CeGaT Center For Human Genetics Tuebingen Variant Classification Criteria Version 2. Collection method: clinical testing. Allele origin: germline. Affected: yes. Observed: 1 variant allele.
Comment: MRTFA: BS1, BS2